The following is an entry in ClinVar:

NM_001378457.1(DMXL2):c.5159G>A (p.Arg1720His)

Gene: DMXL2 (Dmx like 2; minus strand). Cytogenetic location: 15q21.2.
Variant type: single nucleotide variant.
Coding change: c.5159G>A on transcript NM_001378457.1 (MANE Select); coding-DNA position 5159, G replaced by A.
Protein change: p.Arg1720His; replaces arginine 1720 with histidine.
Molecular consequence: missense variant. On other transcripts: non-coding transcript variant (2).
Genome position (GRCh38, 1-based): chr15:51,488,012, C>T on the plus strand (G>A on the coding strand, the complement: DMXL2 is on the minus strand). VCF-style: chr15-51488012-C-T. GRCh37 (hg19) VCF-style: chr15-51780209-C-T.
Other names: c.5159G>A, p.Arg1720His (NM_001174116.3, NM_001378458.1, NM_001378459.1 and 4 more transcripts); c.3251G>A, p.Arg1084His (NM_001174117.3); c.3140G>A, p.Arg1047His (NM_001378460.1); c.4919G>A, p.Arg1640His (NM_001378464.1); c.5159G>A (NM_001174116.1); short protein forms R1640H, R1047H, R1720H, R1084H.
Identifiers: ClinVar variation 1486414 (VCV001486414.6), dbSNP rs545336146, ClinGen allele CA7561854.

ClinVar aggregate classification (germline): Uncertain significance. Review status: criteria provided, multiple submitters, no conflicts (2 of 4 stars). 2 submissions from 2 submitters: Uncertain significance (2). Last evaluated 2025-09-26.

Conditions:
Inborn genetic diseases. Identifiers: MedGen C0950123, MeSH D030342.

Allele frequency attached by ClinVar (database versions not stated): 1000 Genomes Project 30x 0.00031; gnomAD 0.00001; gnomAD exomes 0.00002 and 0.00001; ExAC 0.00003; 1000 Genomes Project 0.00020.
gnomAD v4.1: 16 of 1,613,268 alleles (0.00099%); highest among the groups gnomAD compares: East Asian, 0.0022%; no homozygotes.

Submissions (2):

Ambry Genetics
Classification: Uncertain significance for Inborn genetic diseases. Last evaluated: 2025-09-26. Review status: criteria provided, single submitter. Criteria: Ambry Variant Classification Scheme 2023. Collection method: clinical testing. Allele origin: germline.

Labcorp Genetics (formerly Invitae), Labcorp
Classification: Uncertain significance. Last evaluated: 2021-08-30. Review status: criteria provided, single submitter. Criteria: Invitae Variant Classification Sherloc (09022015). Collection method: clinical testing. Allele origin: germline.
Comment: This sequence change replaces arginine with histidine at codon 1720 of the DMXL2 protein (p.Arg1720His). The arginine residue is highly conserved and there is a small physicochemical difference between arginine and histidine. This variant is present in population databases (rs545336146, ExAC 0.009%). This variant has not been reported in the literature in individuals affected with DMXL2-related conditions. Algorithms developed to predict the effect of missense changes on protein structure and function (SIFT, PolyPhen-2, Align-GVGD) all suggest that this variant is likely to be disruptive. In summary, the available evidence is currently insufficient to determine the role of this variant in disease. Therefore, it has been classified as a Variant of Uncertain Significance.